The following is an entry in ClinVar:

NM_001370466.1(NOD2):c.2885+6G>T

Gene: NOD2 (nucleotide binding oligomerization domain containing 2; plus strand). Cytogenetic location: 16q12.1.
Variant type: single nucleotide variant.
Coding change: c.2885+6G>T on transcript NM_001370466.1 (MANE Select); 6 bases into the intron after coding-DNA position 2885, G replaced by T.
Molecular consequence: intron variant.
Genome position (GRCh38, 1-based): chr16:50,725,578, G>T. VCF-style: chr16-50725578-G-T. GRCh37 (hg19) VCF-style: chr16-50759489-G-T.
Other names: c.2966+6G>T (NM_022162.3); c.2885+6G>T (NM_001293557.2).
Identifiers: ClinVar variation 1046198 (VCV001046198.10), dbSNP rs546478048, ClinGen allele CA8052027.

ClinVar aggregate classification (germline): Uncertain significance. Review status: criteria provided, multiple submitters, no conflicts (2 of 4 stars). 2 submissions from 2 submitters: Uncertain significance (2). Last evaluated 2025-07-06.

Conditions:
Blau syndrome (BLAUS). Also called: ARTHROCUTANEOUVEAL GRANULOMATOSIS; GRANULOMATOSIS, FAMILIAL JUVENILE SYSTEMIC; GRANULOMATOSIS, FAMILIAL, BLAU TYPE; GRANULOMATOUS INFLAMMATORY ARTHRITIS, DERMATITIS, AND UVEITIS, FAMILIAL; JABS SYNDROME. Identifiers: Orphanet 90340, MedGen C5201146, MONDO:0008523, OMIM 186580.
Regional enteritis. Also called: Enteritis, Granulomatous. Identifiers: MedGen C0678202, MeSH D003424.
Autoinflammatory syndrome. Identifiers: Orphanet 93665, MedGen C3890737, MONDO:0019751.

Allele frequency attached by ClinVar (database versions not stated): gnomAD 0.00001; TOPMed 0.00002; ExAC 0.00003; gnomAD exomes 0.00003 and 0.00004.
gnomAD v4.1: 50 of 1,607,834 alleles (0.0031%); highest among the groups gnomAD compares: South Asian, 0.022%; 1 homozygote.

Submissions (2):

Labcorp Genetics (formerly Invitae), Labcorp
Classification: Uncertain significance for Regional enteritis; Blau syndrome. Last evaluated: 2025-07-06. Review status: criteria provided, single submitter. Criteria: Invitae Variant Classification Sherloc (09022015). Collection method: clinical testing. Allele origin: germline.
Comment: This sequence change falls in intron 10 of the NOD2 gene. It does not directly change the encoded amino acid sequence of the NOD2 protein. It affects a nucleotide within the consensus splice site. This variant is present in population databases (rs546478048, gnomAD 0.02%). This variant has not been reported in the literature in individuals affected with NOD2-related conditions. ClinVar contains an entry for this variant (Variation ID: 1046198). Variants that disrupt the consensus splice site are a relatively common cause of aberrant splicing (PMID: 17576681, 9536098). Algorithms developed to predict the effect of sequence changes on RNA splicing suggest that this variant is not likely to affect RNA splicing. In summary, the available evidence is currently insufficient to determine the role of this variant in disease. Therefore, it has been classified as a Variant of Uncertain Significance.

Genome Diagnostics Laboratory, The Hospital for Sick Children
Classification: Uncertain significance for Autoinflammatory syndrome. Last evaluated: 2019-04-01. Review status: criteria provided, single submitter. Criteria: ACMG Guidelines, 2015. Collection method: clinical testing. Allele origin: germline. Affected: yes.

Literature cited by the submitters: PubMed 17576681 (cited by Labcorp Genetics (formerly Invitae), Labcorp); PubMed 9536098 (cited by Labcorp Genetics (formerly Invitae), Labcorp).